The following is an entry in ClinVar:

ClinVar aggregate classification (germline): Uncertain significance. Review status: criteria provided, multiple submitters, no conflicts (2 of 4 stars). 2 submissions from 2 submitters: Uncertain significance (2). Last evaluated 2024-02-25.

Conditions:
DICER1-related tumor predisposition. Also called: DICER1-related pleuropulmonary blastoma cancer predisposition syndrome; DICER1 syndrome. Identifiers: Orphanet 284343, MedGen C3839822, MONDO:0100216.
Hereditary cancer-predisposing syndrome. Also called: Hereditary Cancer Syndrome; Neoplastic Syndromes, Hereditary; Hereditary neoplastic syndrome; Tumor predisposition. Identifiers: Orphanet 140162, MedGen C0027672, MeSH D009386, MONDO:0015356.

Submissions (2):

Labcorp Genetics (formerly Invitae), Labcorp
Classification: Uncertain significance for DICER1-related tumor predisposition. Last evaluated: 2024-02-25. Review status: criteria provided, single submitter. Criteria: Invitae Variant Classification Sherloc (09022015). Collection method: clinical testing. Allele origin: germline.
Comment: This sequence change replaces glutamine, which is neutral and polar, with histidine, which is basic and polar, at codon 84 of the DICER1 protein (p.Gln84His). This variant is not present in population databases (gnomAD no frequency). This variant has not been reported in the literature in individuals affected with DICER1-related conditions. ClinVar contains an entry for this variant (Variation ID: 821438). Advanced modeling of protein sequence and biophysical properties (such as structural, functional, and spatial information, amino acid conservation, physicochemical variation, residue mobility, and thermodynamic stability) has been performed at Invitae for this missense variant, however the output from this modeling did not meet the statistical confidence thresholds required to predict the impact of this variant on DICER1 protein function. In summary, the available evidence is currently insufficient to determine the role of this variant in disease. Therefore, it has been classified as a Variant of Uncertain Significance.

Ambry Genetics
Classification: Uncertain significance for Hereditary cancer-predisposing syndrome. Last evaluated: 2019-08-19. Review status: criteria provided, single submitter. Criteria: Ambry Variant Classification Scheme 2023. Collection method: clinical testing. Allele origin: germline.
Comment: The p.Q84H variant (also known as c.252G>C), located in coding exon 2 of the DICER1 gene, results from a G to C substitution at nucleotide position 252. The glutamine at codon 84 is replaced by histidine, an amino acid with highly similar properties. This amino acid position is highly conserved in available vertebrate species. In addition, this alteration is predicted to be tolerated by in silico analysis. Since supporting evidence is limited at this time, the clinical significance of this alteration remains unclear.

NM_177438.3(DICER1):c.252G>C (p.Gln84His)

Gene: DICER1 (dicer 1, ribonuclease III; minus strand). Cytogenetic location: 14q32.13.
Variant type: single nucleotide variant.
Coding change: c.252G>C on transcript NM_177438.3 (MANE Select); coding-DNA position 252, G replaced by C.
Protein change: p.Gln84His; replaces glutamine 84 with histidine.
Molecular consequence: missense variant.
Genome position (GRCh38, 1-based): chr14:95,132,570, C>G on the plus strand (G>C on the coding strand, the complement: DICER1 is on the minus strand). VCF-style: chr14-95132570-C-G. GRCh37 (hg19) VCF-style: chr14-95598907-C-G.
Other names: c.252G>C, p.Gln84His (NM_001195573.1, NM_001271282.3, NM_001291628.2 and 1 more transcripts); short protein forms Q84H.
Identifiers: ClinVar variation 821438 (VCV000821438.6), dbSNP rs1595466147, ClinGen allele CA390889814.